The following is an entry in ClinVar:

ClinVar aggregate classification (germline): Pathogenic (1 of 4 stars; one submission).

Conditions:
EPILEPSY, CHILDHOOD ABSENCE, SUSCEPTIBILITY TO, 2 (ECA2). Identifiers: Orphanet 64280, MedGen C1843244, OMIM 607681.
Febrile seizures, familial, 8 (FEB8). Also called: CONVULSIONS, FAMILIAL FEBRILE, 8. Identifiers: Orphanet 36387, MedGen C1969810, MONDO:0011891, OMIM 607681.

Submission:

Labcorp Genetics (formerly Invitae), Labcorp
Classification: Pathogenic for Febrile seizures, familial, 8; EPILEPSY, CHILDHOOD ABSENCE, SUSCEPTIBILITY TO, 2. Last evaluated: 2023-11-24. Review status: criteria provided, single submitter. Criteria: Invitae Variant Classification Sherloc (09022015). Collection method: clinical testing. Allele origin: germline.
Comment: This sequence change results in a frameshift in the GABRG2 gene (p.Tyr444Metfs*51). While this is not anticipated to result in nonsense mediated decay, it is expected to disrupt the last 24 amino acid(s) of the GABRG2 protein and extend the protein by 26 additional amino acid residues. This variant is not present in population databases (gnomAD no frequency). This frameshift has been observed in individual(s) with GABRG2-related conditions (PMID: 23069679). It has also been observed to segregate with disease in related individuals. Algorithms developed to predict the effect of variants on protein structure and function are not available or were not evaluated for this variant. Experimental studies have shown that this frameshift affects GABRG2 function (PMID: 23069679). This variant disrupts a region of the GABRG2 protein in which other variant(s) (p.Asn457Tyr) have been observed in individuals with GABRG2-related conditions (Invitae). This suggests that this is a clinically significant region of the protein, and that variants that disrupt it are likely to be disease-causing. For these reasons, this variant has been classified as Pathogenic.

Literature cited by the submitters: PubMed 23069679.

NM_198904.4(GABRG2):c.1353del (p.Tyr452fs)

Gene: GABRG2 (gamma-aminobutyric acid type A receptor subunit gamma2; plus strand). Cytogenetic location: 5q34.
Variant type: Deletion.
Coding change: c.1353del on transcript NM_198904.4 (MANE Select); coding-DNA position 1353, one base deleted (C; older notation c.1353delC).
Protein change: p.Tyr452fs; shifts the reading frame from tyrosine 452.
Molecular consequence: frameshift variant. On other transcripts: 3 prime UTR variant (1).
Genome position (GRCh38, 1-based): chr5:162,153,293, C deleted; the last of 2 consecutive C bases (chr5:162,153,292-162,153,293); deleting either gives the same sequence. VCF-style (leftmost placement, unchanged base first): chr5-162153291-TC-T. GRCh37 (hg19) VCF-style: chr5-161580297-TC-T.
Other names: c.1329del, p.Tyr444fs (NM_000816.3); c.1344del, p.Tyr449fs (NM_001375339.1); c.*187del (NM_001375340.1); c.1350del, p.Tyr451fs (NM_001375341.1); c.1326del, p.Tyr443fs (NM_001375342.1); c.1449del, p.Tyr484fs (NM_001375343.1); c.1392del, p.Tyr465fs (NM_001375344.1); c.1263del, p.Tyr422fs (NM_001375345.1); and 6 more; short protein forms Y443fs, Y465fs, Y484fs, Y430fs, Y449fs, Y452fs, Y492fs, Y422fs.
Identifiers: ClinVar variation 2925386 (VCV002925386.3), dbSNP rs2532775753, ClinGen allele CA2695205690.
Genomic context (GRCh38, chr5:162,153,291, plus strand): 5'-GATTGTCGAACAGGAGCTTGGAGACATGGGAGGATACATATCCGCATTGCCAAAATGGAC[TC>T]CTATGCTCGGATCTTCTTCCCCACTGCCTTCTGCCTGTTTAATCTGGTCTATTGGGTCTC-3'